The following is an entry in ClinVar:

ClinVar aggregate classification (germline): Likely benign (1 of 4 stars; one submission).

Allele frequency attached by ClinVar (database versions not stated): gnomAD 0.01020 and 0.01103; 1000 Genomes Project 0.01058; ESP Exome Variant Server 0.01107; 1000 Genomes Project 30x 0.01109; TOPMed 0.01173.
gnomAD v4.1: 3,068 of 1,572,922 alleles (0.2%); highest among the groups gnomAD compares: African/African-American, 3.4%; 44 homozygotes.

Submission:

GeneDx
Classification: Likely benign. Last evaluated: 2018-06-14. Review status: criteria provided, single submitter. Criteria: GeneDx Variant Classification (06012015). Collection method: clinical testing. Allele origin: germline. Affected: yes.
Comment: This variant is considered likely benign or benign based on one or more of the following criteria: it is a conservative change, it occurs at a poorly conserved position in the protein, it is predicted to be benign by multiple in silico algorithms, and/or has population frequency not consistent with disease.

NM_001276345.2(TNNT2):c.851+43C>T

Gene: TNNT2 (troponin T2, cardiac type; minus strand). Cytogenetic location: 1q32.1.
Variant type: single nucleotide variant.
Coding change: c.851+43C>T on transcript NM_001276345.2 (MANE Select); 43 bases into the intron after coding-DNA position 851, C replaced by T.
Molecular consequence: intron variant.
Genome position (GRCh38, 1-based): chr1:201,359,580, G>A on the plus strand (C>T on the coding strand, the complement: TNNT2 is on the minus strand). VCF-style: chr1-201359580-G-A. GRCh37 (hg19) VCF-style: chr1-201328708-G-A.
Other names: c.803+43C>T (NM_001001432.3); c.812+43C>T (NM_001001431.3); c.821+43C>T (NM_001001430.3, NM_001276347.2); c.722+43C>T (NM_001276346.2); c.842+43C>T (NM_000364.4).
Identifiers: ClinVar variation 671447 (VCV000671447.1), dbSNP rs45570832, ClinGen allele CA089216.